The following is an entry in ClinVar:

NM_001267550.2(TTN):c.26817C>A (p.Ser8939=)

Gene: TTN (titin; minus strand). Cytogenetic location: 2q31.2.
Variant type: single nucleotide variant.
Coding change: c.26817C>A on transcript NM_001267550.2 (MANE Select); coding-DNA position 26817, C replaced by A.
Protein change: p.Ser8939=; no amino-acid change (serine 8939 retained).
Molecular consequence: synonymous variant. On other transcripts: intron variant (3).
Genome position (GRCh38, 1-based): chr2:178,713,317, G>T on the plus strand (C>A on the coding strand, the complement: TTN is on the minus strand). VCF-style: chr2-178713317-G-T. GRCh37 (hg19) VCF-style: chr2-179578044-G-T.
Other names: c.25866C>A, p.Ser8622= (NM_001256850.1); c.23085C>A, p.Ser7695= (NM_133378.4); c.13282+24765C>A (NM_003319.4); c.13858+24765C>A (NM_133437.4); c.13657+24765C>A (NM_133432.3).
Identifiers: ClinVar variation 2934810 (VCV002934810.13), dbSNP rs370757633, ClinGen allele CA1999916.

ClinVar aggregate classification (germline): Likely benign. Review status: criteria provided, multiple submitters, no conflicts (2 of 4 stars). 2 submissions from 2 submitters: Likely benign (2). Last evaluated 2025-11-21.

Conditions:
Dilated cardiomyopathy 1G (CMD1G). Identifiers: Orphanet 154, MedGen C1858763, MONDO:0011400, OMIM 604145.
Autosomal recessive limb-girdle muscular dystrophy type 2J (LGMDR10). Also called: Limb-girdle muscular dystrophy, type 2J; MUSCULAR DYSTROPHY, LIMB-GIRDLE, AUTOSOMAL RECESSIVE 10. Identifiers: Orphanet 140922, MedGen C1837342, MONDO:0012127, OMIM 608807.

gnomAD v4.1: 18 of 1,579,822 alleles (0.0011%); highest among the groups gnomAD compares: South Asian, 0.021%; no homozygotes.

Submissions (2):

Labcorp Genetics (formerly Invitae), Labcorp
Classification: Likely benign for Dilated cardiomyopathy 1G; Autosomal recessive limb-girdle muscular dystrophy type 2J. Last evaluated: 2025-11-21. Review status: criteria provided, single submitter. Criteria: Invitae Variant Classification Sherloc (09022015). Collection method: clinical testing. Allele origin: germline.

CeGaT Center for Human Genetics Tuebingen
Classification: Likely benign. Last evaluated: 2025-05-01. Review status: criteria provided, single submitter. Criteria: CeGaT Center For Human Genetics Tuebingen Variant Classification Criteria Version 2. Collection method: clinical testing. Allele origin: germline. Affected: yes. Observed: 1 variant allele.
Comment: TTN: BP4, BP7